The following is an entry in ClinVar:

ClinVar aggregate classification (germline): Uncertain significance (1 of 4 stars; one submission).

Submission:

Labcorp Genetics (formerly Invitae), Labcorp
Classification: Uncertain significance. Last evaluated: 2024-02-23. Review status: criteria provided, single submitter. Criteria: Invitae Variant Classification Sherloc (09022015). Collection method: clinical testing. Allele origin: germline.
Comment: This sequence change replaces glycine, which is neutral and non-polar, with glutamic acid, which is acidic and polar, at codon 460 of the DTHD1 protein (p.Gly460Glu). This variant is not present in population databases (gnomAD no frequency). This variant has not been reported in the literature in individuals affected with DTHD1-related conditions. ClinVar contains an entry for this variant (Variation ID: 1718869). Algorithms developed to predict the effect of missense changes on protein structure and function output the following: SIFT: "Not Available"; PolyPhen-2: "Benign"; Align-GVGD: "Not Available". The glutamic acid amino acid residue is found in multiple mammalian species, which suggests that this missense change does not adversely affect protein function. In summary, the available evidence is currently insufficient to determine the role of this variant in disease. Therefore, it has been classified as a Variant of Uncertain Significance.

NM_001170700.3(DTHD1):c.2249G>A (p.Gly750Glu)

Gene: DTHD1 (death domain containing 1; plus strand). Cytogenetic location: 4p14.
Variant type: single nucleotide variant.
Coding change: c.2249G>A on transcript NM_001170700.3 (MANE Select); coding-DNA position 2249, G replaced by A.
Protein change: p.Gly750Glu; replaces glycine 750 with glutamic acid.
Molecular consequence: missense variant. On other transcripts: non-coding transcript variant (2).
Genome position (GRCh38, 1-based): chr4:36,316,395, G>A. VCF-style: chr4-36316395-G-A. GRCh37 (hg19) VCF-style: chr4-36318017-G-A.
Other names: c.1379G>A, p.Gly460Glu (NM_001136536.5); c.1316G>A, p.Gly439Glu (NM_001378435.1); short protein forms G439E, G460E, G750E.
Identifiers: ClinVar variation 1718869 (VCV001718869.5), dbSNP rs2529801648, ClinGen allele CA356681645.
Genomic context (GRCh38, chr4:36,316,395, plus strand): 5'-TTGGAAACTATAGTTGCCCTCATTACAAAGGCACCATTGTCGTTTATAAAGTACCTAAAG[G>A]AAAGATAGTCCCCAACTTGAATCAATCTCTCGTAATTAATGAAAACCATTCTCAGTTGCC-3'
Protein context (NP_001164171.2, residues 740-760): GTIVVYKVPK[Gly750Glu]KIVPNLNQSL